The following is an entry in ClinVar:

NM_013266.4(CTNNA3):c.2438A>T (p.Asn813Ile)

Gene: CTNNA3 (catenin alpha 3; minus strand). Cytogenetic location: 10q21.3.
Variant type: single nucleotide variant.
Coding change: c.2438A>T on transcript NM_013266.4 (MANE Select); coding-DNA position 2438, A replaced by T.
Protein change: p.Asn813Ile; replaces asparagine 813 with isoleucine.
Molecular consequence: missense variant.
Genome position (GRCh38, 1-based): chr10:65,920,580, T>A on the plus strand (A>T on the coding strand, the complement: CTNNA3 is on the minus strand). VCF-style: chr10-65920580-T-A. GRCh37 (hg19) VCF-style: chr10-67680338-T-A.
Other names: c.2438A>T, p.Asn813Ile (NM_001127384.3); short protein forms N813I.
Identifiers: ClinVar variation 2564948 (VCV002564948.2), dbSNP rs2077068714, ClinGen allele CA377089107.

ClinVar aggregate classification (germline): Uncertain significance (1 of 4 stars; one submission).

Allele frequency attached by ClinVar (database versions not stated): gnomAD exomes below 0.00001.
gnomAD v4.1: 3 of 1,614,080 alleles (0.00019%); highest among the groups gnomAD compares: Non-Finnish European, 0.00025%; no homozygotes.

Submission:

Ambry Genetics
Classification: Uncertain significance. Last evaluated: 2023-05-15. Review status: criteria provided, single submitter. Criteria: Ambry Variant Classification Scheme 2023. Collection method: clinical testing. Allele origin: germline.
Comment: The p.N813I variant (also known as c.2438A>T), located in coding exon 17 of the CTNNA3 gene, results from an A to T substitution at nucleotide position 2438. The asparagine at codon 813 is replaced by isoleucine, an amino acid with dissimilar properties. This amino acid position is conserved. In addition, the in silico prediction for this alteration is inconclusive. Since supporting evidence is limited at this time, the clinical significance of this alteration remains unclear.